The following is an entry in ClinVar:

ClinVar aggregate classification (germline): Uncertain significance (1 of 4 stars; one submission).

Conditions:
Cystic fibrosis (CF). Also called: MUCOVISCIDOSIS. Identifiers: Orphanet 586, MedGen C0010674, MONDO:0009061, OMIM 219700. Disease mechanism: loss of function.

Allele frequency attached by ClinVar (database versions not stated): gnomAD exomes below 0.00001.
gnomAD v4.1: 1 of 1,614,152 alleles (0.000062%); highest among the groups gnomAD compares: East Asian, 0.0022%; no homozygotes.

Submission:

Ambry Genetics
Classification: Uncertain significance for Cystic fibrosis. Last evaluated: 2022-02-07. Review status: criteria provided, single submitter. Criteria: Ambry Variant Classification Scheme 2023. Collection method: clinical testing. Allele origin: germline.
Comment: The p.L738V variant (also known as c.2212T>G), located in coding exon 14 of the CFTR gene, results from a T to G substitution at nucleotide position 2212. The leucine at codon 738 is replaced by valine, an amino acid with highly similar properties. This amino acid position is conserved. In addition, the in silico prediction for this alteration is inconclusive. Since supporting evidence is limited at this time, the clinical significance of this alteration remains unclear.

NM_000492.4(CFTR):c.2212T>G (p.Leu738Val)

Gene: CFTR (CF transmembrane conductance regulator; plus strand). Cytogenetic location: 7q31.2.
Variant type: single nucleotide variant.
Coding change: c.2212T>G on transcript NM_000492.4 (MANE Select); coding-DNA position 2212, T replaced by G.
Protein change: p.Leu738Val; replaces leucine 738 with valine.
Molecular consequence: missense variant.
Genome position (GRCh38, 1-based): chr7:117,592,379, T>G. VCF-style: chr7-117592379-T-G. GRCh37 (hg19) VCF-style: chr7-117232433-T-G.
Other names: short protein forms L738V.
Identifiers: ClinVar variation 3231852 (VCV003231852.1), dbSNP rs2116032401, ClinGen allele CA368980426.